The following is an entry in ClinVar:

NM_001077653.2(TBX20):c.1199C>T (p.Ser400Leu)

Gene: TBX20 (T-box transcription factor 20; minus strand). Cytogenetic location: 7p14.2.
Variant type: single nucleotide variant.
Coding change: c.1199C>T on transcript NM_001077653.2 (MANE Select); coding-DNA position 1199, C replaced by T.
Protein change: p.Ser400Leu; replaces serine 400 with leucine.
Molecular consequence: missense variant.
Genome position (GRCh38, 1-based): chr7:35,202,575, G>A on the plus strand (C>T on the coding strand, the complement: TBX20 is on the minus strand). VCF-style: chr7-35202575-G-A. GRCh37 (hg19) VCF-style: chr7-35242187-G-A.
Other names: short protein forms S400L.
Identifiers: ClinVar variation 4798223 (VCV004798223.1).

ClinVar aggregate classification (germline): Uncertain significance (1 of 4 stars; one submission).

gnomAD v4.1: 14 of 1,613,964 alleles (0.00087%); highest among the groups gnomAD compares: South Asian, 0.0033%; no homozygotes.

Submission:

Labcorp Genetics (formerly Invitae), Labcorp
Classification: Uncertain significance. Last evaluated: 2026-01-27. Review status: criteria provided, single submitter. Criteria: Invitae Variant Classification Sherloc (09022015). Collection method: clinical testing. Allele origin: germline.
Comment: This sequence change replaces serine, which is neutral and polar, with leucine, which is neutral and non-polar, at codon 400 of the TBX20 protein (p.Ser400Leu). This variant is present in population databases (rs780977939, gnomAD 0.01%). This variant has not been reported in the literature in individuals affected with TBX20-related conditions. An algorithm developed to predict the effect of missense changes on protein structure and function (PolyPhen-2) suggests that this variant is likely to be tolerated. In summary, the available evidence is currently insufficient to determine the role of this variant in disease. Therefore, it has been classified as a Variant of Uncertain Significance.